The following is an entry in ClinVar:

ClinVar aggregate classification (germline): Uncertain significance. Review status: criteria provided, multiple submitters, no conflicts (2 of 4 stars). 2 submissions from 2 submitters: Uncertain significance (2). Last evaluated 2023-02-13.

Allele frequency attached by ClinVar (database versions not stated): gnomAD exomes below 0.00001; TOPMed below 0.00001; gnomAD 0.00001.
gnomAD v4.1: 3 of 1,613,834 alleles (0.00019%); highest among the groups gnomAD compares: Non-Finnish European, 0.00025%; no homozygotes.

Submissions (2):

Mayo Clinic Laboratories, Mayo Clinic
Classification: Uncertain significance. Last evaluated: 2023-02-13. Review status: criteria provided, single submitter. Criteria: ACMG Guidelines, 2015. Collection method: clinical testing. Allele origin: germline. Observed: 1 variant allele.
Comment: PM2

CeGaT Center for Human Genetics Tuebingen
Classification: Uncertain significance. Last evaluated: 2017-04-01. Review status: criteria provided, single submitter. Criteria: CeGaT Center For Human Genetics Tuebingen Variant Classification Criteria Version 2. Collection method: clinical testing. Allele origin: germline. Affected: yes. Observed: 1 variant allele.

NM_020944.3(GBA2):c.1855G>A (p.Asp619Asn)

Gene: GBA2 (glucosylceramidase beta 2; minus strand). Cytogenetic location: 9p13.3.
Variant type: single nucleotide variant.
Coding change: c.1855G>A on transcript NM_020944.3 (MANE Select); coding-DNA position 1855, G replaced by A.
Protein change: p.Asp619Asn; replaces aspartic acid 619 with asparagine.
Molecular consequence: missense variant.
Genome position (GRCh38, 1-based): chr9:35,738,844, C>T on the plus strand (G>A on the coding strand, the complement: GBA2 is on the minus strand). VCF-style: chr9-35738844-C-T. GRCh37 (hg19) VCF-style: chr9-35738841-C-T.
Other names: p.Asp619Asn; c.1855G>A, p.Asp619Asn (NM_001330660.2); short protein forms D619N.
Identifiers: ClinVar variation 810377 (VCV000810377.43), dbSNP rs1169051189, ClinGen allele CA373410171.